The following is an entry in ClinVar:

NM_181672.3(OGT):c.369C>T (p.Ile123=)

Gene: OGT (O-linked N-acetylglucosamine (GlcNAc) transferase; plus strand). Cytogenetic location: Xq13.1.
Variant type: single nucleotide variant.
Coding change: c.369C>T on transcript NM_181672.3 (MANE Select); coding-DNA position 369, C replaced by T.
Protein change: p.Ile123=; no amino-acid change (isoleucine 123 retained).
Molecular consequence: synonymous variant.
Genome position (GRCh38, 1-based): chrX:71,537,979, C>T. VCF-style: chrX-71537979-C-T. GRCh37 (hg19) VCF-style: chrX-70757829-C-T.
Other names: c.339C>T, p.Ile113= (NM_181673.3).
Identifiers: ClinVar variation 3388259 (VCV003388259.14).

ClinVar aggregate classification (germline): Likely benign (1 of 4 stars; one submission).

gnomAD v4.1: 2 of 1,211,711 alleles (0.00017%); highest among the groups gnomAD compares: Non-Finnish European, 0.00011%; no homozygotes.

Submission:

CeGaT Center for Human Genetics Tuebingen
Classification: Likely benign. Last evaluated: 2024-10-01. Review status: criteria provided, single submitter. Criteria: CeGaT Center For Human Genetics Tuebingen Variant Classification Criteria Version 2. Collection method: clinical testing. Allele origin: germline. Affected: yes. Observed: 1 variant allele.
Comment: OGT: BP4, BP7